The following is an entry in ClinVar:

NM_020699.4(GATAD2B):c.1600G>C (p.Ala534Pro)

Gene: GATAD2B (GATA zinc finger domain containing 2B; minus strand). Cytogenetic location: 1q21.3.
Variant type: single nucleotide variant.
Coding change: c.1600G>C on transcript NM_020699.4 (MANE Select); coding-DNA position 1600, G replaced by C.
Protein change: p.Ala534Pro; replaces alanine 534 with proline.
Molecular consequence: missense variant.
Genome position (GRCh38, 1-based): chr1:153,811,779, C>G on the plus strand (G>C on the coding strand, the complement: GATAD2B is on the minus strand). VCF-style: chr1-153811779-C-G. GRCh37 (hg19) VCF-style: chr1-153784255-C-G.
Other names: short protein forms A534P.
Identifiers: ClinVar variation 2697066 (VCV002697066.3), dbSNP rs2525232845, ClinGen allele CA342580802.

ClinVar aggregate classification (germline): Uncertain significance (1 of 4 stars; one submission).

Submission:

Labcorp Genetics (formerly Invitae), Labcorp
Classification: Uncertain significance. Last evaluated: 2023-11-18. Review status: criteria provided, single submitter. Criteria: Invitae Variant Classification Sherloc (09022015). Collection method: clinical testing. Allele origin: germline.
Comment: This sequence change replaces alanine, which is neutral and non-polar, with proline, which is neutral and non-polar, at codon 534 of the GATAD2B protein (p.Ala534Pro). This variant is not present in population databases (gnomAD no frequency). This variant has not been reported in the literature in individuals affected with GATAD2B-related conditions. Advanced modeling of protein sequence and biophysical properties (such as structural, functional, and spatial information, amino acid conservation, physicochemical variation, residue mobility, and thermodynamic stability) performed at Invitae indicates that this missense variant is not expected to disrupt GATAD2B protein function with a negative predictive value of 80%. In summary, the available evidence is currently insufficient to determine the role of this variant in disease. Therefore, it has been classified as a Variant of Uncertain Significance.